The following is an entry in ClinVar:

NM_002599.5(PDE2A):c.1754T>C (p.Leu585Pro)

Gene: PDE2A (phosphodiesterase 2A; minus strand). Cytogenetic location: 11q13.4.
Variant type: single nucleotide variant.
Coding change: c.1754T>C on transcript NM_002599.5 (MANE Select); coding-DNA position 1754, T replaced by C.
Protein change: p.Leu585Pro; replaces leucine 585 with proline.
Molecular consequence: missense variant.
Genome position (GRCh38, 1-based): chr11:72,582,541, A>G on the plus strand (T>C on the coding strand, the complement: PDE2A is on the minus strand). VCF-style: chr11-72582541-A-G. GRCh37 (hg19) VCF-style: chr11-72293585-A-G.
Other names: c.1733T>C, p.Leu578Pro (NM_001143839.4); c.1727T>C, p.Leu576Pro (NM_001146209.3); c.1691T>C, p.Leu564Pro (NM_001243784.2); short protein forms L564P, L576P, L578P, L585P.
Identifiers: ClinVar variation 1698014 (VCV001698014.2), dbSNP rs2135278850, ClinGen allele CA381756081.
Genomic context (GRCh38, chr11:72,582,541, plus strand): 5'-TAGGTGAAACTTGCAAAATTGGAGTCAATGGCAGCCACAGGCTGGATCCCATCATGGAGA[A>G]GTTTGGTATACTCATCATCGGAGACCTAGAGGAGACCAGCCAGAGCATTAGAAGACAGCC-3'
Protein context (NP_002590.1, residues 575-595): MKVSDDEYTK[Leu585Pro]LHDGIQPVAA

ClinVar aggregate classification (germline): Uncertain significance (1 of 4 stars; one submission).

Submission:

GeneDx
Classification: Uncertain significance. Last evaluated: 2022-01-20. Review status: criteria provided, single submitter. Criteria: GeneDx Variant Classification Process June 2021. Collection method: clinical testing. Allele origin: germline. Affected: yes.
Comment: Not observed at significant frequency in large population cohorts (gnomAD); In silico analysis supports that this missense variant has a deleterious effect on protein structure/function; Has not been previously published as pathogenic or benign to our knowledge